The following is an entry in ClinVar:

ClinVar aggregate classification (germline): Likely pathogenic. Review status: criteria provided, multiple submitters, no conflicts (2 of 4 stars). 3 submissions from 3 submitters: Likely pathogenic (3). Last evaluated 2026-06-16.

Conditions:
Hereditary cancer-predisposing syndrome. Also called: Tumor predisposition; Hereditary neoplastic syndrome; Neoplastic Syndromes, Hereditary; Hereditary Cancer Syndrome. Identifiers: Orphanet 140162, MedGen C0027672, MeSH D009386, MONDO:0015356.
Microcephaly, normal intelligence and immunodeficiency (NBS). Also called: Immunodeficiency, microcephaly with normal intelligence; SEEMANOVA SYNDROME II; Ataxia telangiectasia variant V1; IMMUNODEFICIENCY, MICROCEPHALY, AND CHROMOSOMAL INSTABILITY; Nijmegen breakage syndrome; Microcephaly with normal intelligence immunodeficiency and lymphoreticular malignancies. Identifiers: Orphanet 647, MedGen C0398791, MONDO:0009623, OMIM 251260.

Allele frequency attached by ClinVar (database versions not stated): gnomAD exomes below 0.00001.
gnomAD v4.1: 1 of 1,585,386 alleles (0.000063%); highest among the groups gnomAD compares: Non-Finnish European, 0.000087%; no homozygotes.

Submissions (3):

Women's Health and Genetics/Laboratory Corporation of America, LabCorp
Classification: Likely pathogenic for Microcephaly, normal intelligence and immunodeficiency. Last evaluated: 2026-06-16. Review status: criteria provided, single submitter. Criteria: LabCorp Variant Classification Summary - May 2015. Collection method: clinical testing. Allele origin: germline.
Comment: Variant summary: NBN c.897-1G>A is located in a canonical splice-site and is predicted to affect mRNA splicing resulting in a significantly altered protein due to either exon skipping, shortening, or inclusion of intronic material. Variants that disrupt the consensus splice site are a relatively common cause of aberrant splicing and loss of NBN function. Several computational tools predict a significant impact on normal splicing: Four predict the variant abolishes a 3' acceptor site. Three predict the variant creates a cryptic 3' acceptor site. One predict the variant weakens a cryptic 5' donor site. However, these predictions have yet to be confirmed by functional studies. The variant was absent in 250876 control chromosomes. To our knowledge, no occurrence of c.897-1G>A in individuals affected with NBN-related conditions and no experimental evidence demonstrating its impact on protein function have been reported. ClinVar contains an entry for this variant (Variation ID: 822859). Based on the evidence outlined above, the variant was classified as likely pathogenic.

Ambry Genetics
Classification: Likely pathogenic for Hereditary cancer-predisposing syndrome. Last evaluated: 2023-05-17. Review status: criteria provided, single submitter. Criteria: Ambry Variant Classification Scheme 2023. Collection method: clinical testing. Allele origin: germline.
Comment: The c.897-1G>A intronic variant results from a G to A substitution one nucleotide upstream from coding exon 8 of the NBN gene. This nucleotide position is highly conserved in available vertebrate species. In silico splice site analysis predicts that this alteration will weaken the native splice acceptor site and may result in the creation or strengthening of a novel splice acceptor site; however, direct evidence is insufficient at this time (Ambry internal data). This variant is considered to be rare based on population cohorts in the Genome Aggregation Database (gnomAD). Alterations that disrupt the canonical splice site are expected to cause aberrant splicing, resulting in an abnormal protein or a transcript that is subject to nonsense-mediated mRNA decay. As such, this alteration is classified as likely pathogenic.

Labcorp Genetics (formerly Invitae), Labcorp
Classification: Likely pathogenic for Microcephaly, normal intelligence and immunodeficiency. Last evaluated: 2021-11-15. Review status: criteria provided, single submitter. Criteria: Invitae Variant Classification Sherloc (09022015). Collection method: clinical testing. Allele origin: germline.
Comment: This sequence change affects an acceptor splice site in intron 7 of the NBN gene. It is expected to disrupt RNA splicing. Variants that disrupt the donor or acceptor splice site typically lead to a loss of protein function (PMID: 16199547), and loss-of-function variants in NBN are known to be pathogenic (PMID: 9590180, 16415040). This variant is not present in population databases (gnomAD no frequency). In summary, the currently available evidence indicates that the variant is pathogenic, but additional data are needed to prove that conclusively. Therefore, this variant has been classified as Likely Pathogenic. Algorithms developed to predict the effect of sequence changes on RNA splicing suggest that this variant may disrupt the consensus splice site. ClinVar contains an entry for this variant (Variation ID: 822859). This variant has not been reported in the literature in individuals affected with NBN-related conditions.

Literature cited by the submitters: PubMed 16199547 (cited by Labcorp Genetics (formerly Invitae), Labcorp); PubMed 9590180 (cited by Labcorp Genetics (formerly Invitae), Labcorp); PubMed 16415040 (cited by Labcorp Genetics (formerly Invitae), Labcorp).

NM_002485.5(NBN):c.897-1G>A

Gene: NBN (nibrin; minus strand). Cytogenetic location: 8q21.3.
Variant type: single nucleotide variant.
Coding change: c.897-1G>A on transcript NM_002485.5 (MANE Select); the canonical splice acceptor site of the intron before coding-DNA position 897, G replaced by A.
Molecular consequence: splice acceptor variant.
Genome position (GRCh38, 1-based): chr8:89,964,508, C>T on the plus strand (G>A on the coding strand, the complement: NBN is on the minus strand). VCF-style: chr8-89964508-C-T. GRCh37 (hg19) VCF-style: chr8-90976736-C-T.
Other names: c.651-1G>A (NM_001024688.3).
Identifiers: ClinVar variation 822859 (VCV000822859.12), dbSNP rs1586076299, ClinGen allele CA371657176.